The following is an entry in ClinVar:

ClinVar aggregate classification (germline): Conflicting classifications of pathogenicity. Review status: criteria provided, conflicting classifications (1 of 4 stars). 6 submissions from 6 submitters: Uncertain significance (4); Likely benign (2). Last evaluated 2025-06-11.

Conditions:
Multiple endocrine neoplasia, type 2 (MEN2). Identifiers: Orphanet 653, MedGen C4048306, MONDO:0019003. Disease mechanism: gain of function.
Multiple endocrine neoplasia type 2A. Also called: MULTIPLE ENDOCRINE NEOPLASIA, TYPE IIA; PTC SYNDROME; SIPPLE SYNDROME; MEN 2A; MEN-2A syndrome; Pheochromocytoma and amyloid producing medullary thyroid carcinoma. Identifiers: Orphanet 247698, Orphanet 653, MedGen C0025268, MeSH D018813, MONDO:0008234, OMIM 171400.
Hirschsprung disease, susceptibility to, 1 (HSCR1). Also called: RET-Related Hirschsprung Disease. Identifiers: Orphanet 388, MedGen C3888239, MONDO:0007723, OMIM 142623.
Multiple endocrine neoplasia type 2B. Also called: MEN 2B; MUCOSAL NEUROMA SYNDROME; Multiple endocrine neoplasia, type 3; MULTIPLE ENDOCRINE NEOPLASIA, TYPE IIB; Multiple Endocrine Neoplasia Type 2B (MEN2B); MEN IIB. Identifiers: Orphanet 247709, Orphanet 653, MedGen C0025269, MeSH D018814, MONDO:0008082, OMIM 162300.
Pheochromocytoma. Also called: MAX-Related Hereditary Paraganglioma-Pheochromocytoma Syndrome. Identifiers: Orphanet 29072, MedGen C0031511, MONDO:0008233, OMIM 171300, HP:0002666.
Familial medullary thyroid carcinoma (MTC). Also called: Thyroid cancer, familial medullary; MTC, familial; Familial Medullary Thyroid Carcinoma (FMTC). Identifiers: Orphanet 653, Orphanet 99361, MedGen C1833921, MONDO:0007958, OMIM 155240.
Hereditary cancer-predisposing syndrome. Also called: Neoplastic Syndromes, Hereditary; Hereditary Cancer Syndrome; Tumor predisposition; Hereditary neoplastic syndrome. Identifiers: Orphanet 140162, MedGen C0027672, MeSH D009386, MONDO:0015356.

Allele frequency attached by ClinVar (database versions not stated): gnomAD 0.00001; gnomAD exomes 0.00001; TOPMed 0.00002.
gnomAD v4.1: 4 of 1,613,880 alleles (0.00025%); highest among the groups gnomAD compares: African/African-American, 0.0053%; no homozygotes.

Submissions (6):

Labcorp Genetics (formerly Invitae), Labcorp
Classification: Uncertain significance for Multiple endocrine neoplasia, type 2. Last evaluated: 2025-06-11. Review status: criteria provided, single submitter. Criteria: Invitae Variant Classification Sherloc (09022015). Collection method: clinical testing. Allele origin: germline.
Comment: This sequence change replaces lysine, which is basic and polar, with glutamic acid, which is acidic and polar, at codon 789 of the RET protein (p.Lys789Glu). This variant is present in population databases (no rsID available, gnomAD 0.01%). This variant has not been reported in the literature in individuals affected with RET-related conditions. ClinVar contains an entry for this variant (Variation ID: 655550). An algorithm developed to predict the effect of missense changes on protein structure and function (PolyPhen-2) suggests that this variant is likely to be tolerated. In summary, the available evidence is currently insufficient to determine the role of this variant in disease. Therefore, it has been classified as a Variant of Uncertain Significance.

Myriad Genetics, Inc.
Classification: Likely benign for Multiple endocrine neoplasia type 2A. Last evaluated: 2024-08-13. Review status: criteria provided, single submitter. Criteria: Myriad Autosomal Dominant, Autosomal Recessive and X-Linked Classification Criteria (2023). Collection method: clinical testing. Allele origin: unknown.
Comment: This variant is considered likely benign. This variant has been observed at a population frequency that is significantly greater than expected given the associated disease prevalence and penetrance.

GeneDx
Classification: Uncertain significance. Last evaluated: 2024-01-31. Review status: criteria provided, single submitter. Criteria: GeneDx Variant Classification Process June 2021. Collection method: clinical testing. Allele origin: germline. Affected: yes.
Comment: Not observed at significant frequency in large population cohorts (gnomAD); In silico analysis supports that this missense variant has a deleterious effect on protein structure/function; Has not been previously published as pathogenic or benign to our knowledge; This variant is associated with the following publications: (PMID: 14633923)

Baylor Genetics
Classification: Uncertain significance for Hirschsprung disease, susceptibility to, 1. Last evaluated: 2023-10-10. Review status: criteria provided, single submitter. Criteria: ACMG Guidelines, 2015. Collection method: clinical testing. Allele origin: unknown.

Ambry Genetics
Classification: Likely benign for Hereditary cancer-predisposing syndrome. Last evaluated: 2022-11-18. Review status: criteria provided, single submitter. Criteria: Ambry Variant Classification Scheme 2023. Collection method: clinical testing. Allele origin: germline.

Fulgent Genetics
Classification: Uncertain significance for Hirschsprung disease, susceptibility to, 1; Familial medullary thyroid carcinoma; Multiple endocrine neoplasia type 2B; Pheochromocytoma; Multiple endocrine neoplasia type 2A. Last evaluated: 2022-03-08. Review status: criteria provided, single submitter. Criteria: ACMG Guidelines, 2015. Collection method: clinical testing. Allele origin: unknown.

NM_020975.6(RET):c.2365A>G (p.Lys789Glu)

Gene: RET (ret proto-oncogene; plus strand). Cytogenetic location: 10q11.21.
Variant type: single nucleotide variant.
Coding change: c.2365A>G on transcript NM_020975.6 (MANE Select); coding-DNA position 2365, A replaced by G.
Protein change: p.Lys789Glu; replaces lysine 789 with glutamic acid.
Molecular consequence: missense variant.
Genome position (GRCh38, 1-based): chr10:43,118,453, A>G. VCF-style: chr10-43118453-A-G. GRCh37 (hg19) VCF-style: chr10-43613901-A-G.
Other names: c.2077A>G, p.Lys693Glu (NM_001406767.1, NM_001406770.1, NM_001406766.1); c.2101A>G, p.Lys701Glu (NM_001406768.1); c.1969A>G, p.Lys657Glu (NM_001406769.1, NM_001406772.1); c.1927A>G, p.Lys643Glu (NM_001406771.1, NM_001406773.1); c.1840A>G, p.Lys614Glu (NM_001406774.1); c.1639A>G, p.Lys547Glu (NM_001406775.1, NM_001406776.1, NM_001406777.1 and 1 more transcripts); c.2365A>G, p.Lys789Glu (NM_000323.2, NM_001406743.1, NM_001406744.1 and 4 more transcripts); c.1603A>G, p.Lys535Glu (NM_001355216.2); and 10 more; short protein forms K535E, K789E, K445E, K693E, K701E, K459E, K490E, K547E.
Identifiers: ClinVar variation 655550 (VCV000655550.15), dbSNP rs1352006130, ClinGen allele CA376555847.